The following is an entry in ClinVar:

NM_001031726.4(C19orf12):c.166dup

Gene: C19orf12 (chromosome 19 open reading frame 12; minus strand). Cytogenetic location: 19q12.
Variant type: Duplication.
Coding change: c.166dup on transcript NM_001031726.4; coding-DNA position 166, one base duplicated (G; older notation c.166dupG).
Molecular consequence: splice acceptor variant.
Genome position (GRCh38, 1-based): chr19:29,702,972, C duplicated on the plus strand (G on the coding strand, the reverse complement: C19orf12 is on the minus strand); the first of 7 consecutive C bases (chr19:29,702,972-29,702,978); duplicating any one gives the same sequence. VCF-style (leftmost placement, unchanged base first): chr19-29702971-G-GC. GRCh37 (hg19) VCF-style: chr19-30193878-G-GC.
Identifiers: ClinVar variation 1682831 (VCV001682831.8), dbSNP rs398122409, ClinGen allele CA9351925.
Genomic context (GRCh38, chr19:29,702,971, plus strand): 5'-ATCTGAGGAACCGGCTTAAACTGTCCACTTGTCATCCAGGCACCTAACAGCCCCCCGACA[G>GC]CCCCCCCTAGAAAACATGGAATCGTTCAATTAGTGGGTCTTATTCATAAGCGATGGCCTT-3'

ClinVar aggregate classification (germline): Conflicting classifications of pathogenicity. Review status: criteria provided, conflicting classifications (1 of 4 stars). 3 submissions from 3 submitters: Likely pathogenic (1); Uncertain significance (2). Last evaluated 2023-07-23.

Conditions:
Hereditary spastic paraplegia 43. Also called: Spastic paraplegia 43, autosomal recessive. Identifiers: Orphanet 320370, MedGen C2680446, MONDO:0014024, OMIM 615043.

Submissions (3):

Kariminejad - Najmabadi Pathology & Genetics Center
Classification: Uncertain significance for Hereditary spastic paraplegia 43. Last evaluated: 2023-07-23. Review status: criteria provided, single submitter. Criteria: ACMG Guidelines, 2015. Collection method: clinical testing. Allele origin: germline. Inheritance: Autosomal recessive inheritance. Affected: yes.
Comment: PVS1-moderate, PM2

Labcorp Genetics (formerly Invitae), Labcorp
Classification: Uncertain significance for Hereditary spastic paraplegia 43. Last evaluated: 2023-04-20. Review status: criteria provided, single submitter. Criteria: Invitae Variant Classification Sherloc (09022015). Collection method: clinical testing. Allele origin: germline.
Comment: This sequence change creates a premature translational stop signal (p.Ala67Glyfs*16) in the C19orf12 gene. While this is not anticipated to result in nonsense mediated decay, it is expected to disrupt the last 86 amino acid(s) of the C19orf12 protein. In summary, the available evidence is currently insufficient to determine the role of this variant in disease. Therefore, it has been classified as a Variant of Uncertain Significance. Experimental studies and prediction algorithms are not available or were not evaluated, and the functional significance of this variant is currently unknown. ClinVar contains an entry for this variant (Variation ID: 1682831). This variant is also known as c.191insG (p.Ala67GlyfsX14) and c.166_167insG (p.Ala56Glys*16). This premature translational stop signal has been observed in individuals with autosomal recessive mitochondrial membrane protein-associated neurodegeneration and/or autosomal recessive neurodegeneration with brain iron accumulation (PMID: 23166001, 33688131). The frequency data for this variant in the population databases is considered unreliable, as metrics indicate poor data quality at this position in the gnomAD database.

GeneDx
Classification: Likely pathogenic. Last evaluated: 2022-04-23. Review status: criteria provided, single submitter. Criteria: GeneDx Variant Classification Process June 2021. Collection method: clinical testing. Allele origin: germline. Affected: yes.
Comment: Frameshift variant predicted to result in protein truncation, as the last 86 amino acids are replaced with 15 different amino acids, and other loss-of-function variants have been reported downstream; Not observed at significant frequency in large population cohorts (gnomAD); Has not been previously published as pathogenic or benign to our knowledge

Literature cited by the submitters: PubMed 23166001 (cited by Labcorp Genetics (formerly Invitae), Labcorp); PubMed 33688131 (cited by Labcorp Genetics (formerly Invitae), Labcorp).